The following is an entry in ClinVar:

NM_001267550.2(TTN):c.95085G>C (p.Gly31695=)

Genes: TTN-AS1 (TTN antisense RNA 1; plus strand), TTN (titin; minus strand). Cytogenetic location: 2q31.2.
Variant type: single nucleotide variant.
Coding change: c.95085G>C on transcript NM_001267550.2 (MANE Select); coding-DNA position 95085, G replaced by C.
Protein change: p.Gly31695=; no amino-acid change (glycine 31695 retained).
Molecular consequence: synonymous variant.
Genome position (GRCh38, 1-based): chr2:178,546,246, C>G on the plus strand (G>C on the coding strand, the complement: TTN is on the minus strand). VCF-style: chr2-178546246-C-G. GRCh37 (hg19) VCF-style: chr2-179410973-C-G.
Other names: c.90162G>C, p.Gly30054= (NM_001256850.1); c.67890G>C, p.Gly22630= (NM_003319.4); c.87381G>C, p.Gly29127= (NM_133378.4); c.68265G>C, p.Gly22755= (NM_133432.3); c.68466G>C, p.Gly22822= (NM_133437.4).
Identifiers: ClinVar variation 3046357 (VCV003046357.2), dbSNP rs746787955, ClinGen allele CA430242103.

ClinVar aggregate classification (germline): Likely benign (0 of 4 stars; one submission).

Conditions:
TTN-related disorder. Also called: TTN-related condition; TTN-related disease; TTN-related disorders.

gnomAD v4.1: 2 of 1,613,024 alleles (0.00012%); highest among the groups gnomAD compares: Non-Finnish European, 0.00017%; no homozygotes.

Submission:

PreventionGenetics, part of Exact Sciences
Classification: Likely benign for TTN-related condition. Last evaluated: 2023-08-01. Review status: no assertion criteria provided. Collection method: clinical testing. Allele origin: germline.
Comment: This variant is classified as likely benign based on ACMG/AMP sequence variant interpretation guidelines (Richards et al. 2015 PMID: 25741868, with internal and published modifications).